The following is an entry in ClinVar:

ClinVar aggregate classification (germline): Likely pathogenic. Review status: criteria provided, multiple submitters, no conflicts (2 of 4 stars). 2 submissions from 2 submitters: Likely pathogenic (2). Last evaluated 2025-08-26.

Conditions:
MPI-congenital disorder of glycosylation. Also called: CONGENITAL DISORDER OF GLYCOSYLATION, TYPE Ib; CDG Ib; MANNOSEPHOSPHATE ISOMERASE DEFICIENCY; MPI DEFICIENCY; PROTEIN-LOSING ENTEROPATHY-HEPATIC FIBROSIS SYNDROME; MPI-CDG. Identifiers: Orphanet 79319, MedGen C1865145, MONDO:0011257, OMIM 602579.

Submissions (2):

Natera, Inc.
Classification: Likely pathogenic for Congenital disorder of glycosylation type 1b. Last evaluated: 2025-08-26. Review status: criteria provided, single submitter. Criteria: Natera Variant Classification Schema (03/2026). Collection method: clinical testing. Allele origin: germline.
Comment: The c.16+2T>C variant in MPI is a canonical splice donor site variant predicted to affect pre-mRNA splicing, which may result in an abnormal transcript and altered protein product. This variant is expected to result in nonsense mediated decay, truncation, or a dysfunctional protein product. This variant is rare in the general population with a frequency below the threshold expected for the associated phenotype(s). Given the available evidence, this variant is classified as Likely Pathogenic.

Baylor Genetics
Classification: Likely pathogenic for MPI-congenital disorder of glycosylation. Last evaluated: 2024-03-30. Review status: criteria provided, single submitter. Criteria: ACMG Guidelines, 2015. Collection method: clinical testing. Allele origin: unknown.

NM_002435.3(MPI):c.16+2T>C

Gene: MPI (mannose phosphate isomerase; plus strand). Cytogenetic location: 15q24.1.
Variant type: single nucleotide variant.
Coding change: c.16+2T>C on transcript NM_002435.3 (MANE Select); the canonical splice donor site of the intron after coding-DNA position 16, T replaced by C.
Molecular consequence: splice donor variant.
Genome position (GRCh38, 1-based): chr15:74,890,091, T>C. VCF-style: chr15-74890091-T-C. GRCh37 (hg19) VCF-style: chr15-75182432-T-C.
Other names: c.16+2T>C (NM_002435.2, NM_001289155.2, NM_001289157.2); c.-134+2T>C (NM_001330372.2); c.-7+2T>C (NM_001289156.2).
Identifiers: ClinVar variation 3239735 (VCV003239735.2), dbSNP rs2505809803.
Genomic context (GRCh38, chr15:74,890,091, plus strand): 5'-CCGGGAAAGGCATACGTGCTTAATCCTGGTGCAGGGGGCGAGCATGGCCGCTCCGCGAGG[T>C]GAGCCATTGGCTGGGGTGTCGGCGAGTGTGTTCGTGGAGCGCGTCCTGGGGACGACTCCC-3'